The following is an entry in ClinVar:

NM_024753.5(TTC21B):c.168T>C (p.Ala56=)

Gene: TTC21B (tetratricopeptide repeat domain 21B; minus strand). Cytogenetic location: 2q24.3.
Variant type: single nucleotide variant.
Coding change: c.168T>C on transcript NM_024753.5 (MANE Select); coding-DNA position 168, T replaced by C.
Protein change: p.Ala56=; no amino-acid change (alanine 56 retained).
Molecular consequence: synonymous variant.
Genome position (GRCh38, 1-based): chr2:165,949,488, A>G on the plus strand (T>C on the coding strand, the complement: TTC21B is on the minus strand). VCF-style: chr2-165949488-A-G. GRCh37 (hg19) VCF-style: chr2-166805998-A-G.
Other names: c.168T>C (NM_024753.4).
Identifiers: ClinVar variation 2011155 (VCV002011155.5), dbSNP rs1281389143, ClinGen allele CA429975489.
Genomic context (GRCh38, chr2:165,949,488, plus strand): 5'-TGCAAGTAGAGAACAAAGTGATACATCTTGTTTATTTTTAATAGCCTCAAATTCTCGAAG[A>G]GCTTCTTGAGTTTTACCTGAAAATCAAGATTATGATATGAAAAACTGTTCTTAGTGCAAA-3'
Protein context (NP_079029.3, residues 46-66): GTLMEGKTQE[Ala56=]LREFEAIKNK

ClinVar aggregate classification (germline): Likely benign. Review status: criteria provided, multiple submitters, no conflicts (2 of 4 stars). 2 submissions from 2 submitters: Likely benign (2). Last evaluated 2024-12-06.

Conditions:
TTC21B-related disorder. Also called: TTC21B-related condition; TTC21B-related disorders.
Jeune thoracic dystrophy. Also called: Jeune syndrome; Infantile thoracic dystrophy; Thoracic pelvic phalangeal dystrophy; Jeune's syndrome; Chondroectodermal dysplasia-like syndrome; Short-rib thoracic dysplasia. Identifiers: Orphanet 474, MedGen C0265275, MONDO:0018770.
Nephronophthisis. Also called: Juvenile Nephronophthisis. Identifiers: Orphanet 655, MedGen C0687120, MONDO:0019005, HP:0000090.

Allele frequency attached by ClinVar (database versions not stated): TOPMed below 0.00001.
gnomAD v4.1: 1 of 1,613,886 alleles (0.000062%); highest among the groups gnomAD compares: African/African-American, 0.0013%; no homozygotes.

Submissions (2):

PreventionGenetics, part of Exact Sciences
Classification: Likely benign for TTC21B-related condition. Last evaluated: 2024-12-06. Review status: criteria provided, single submitter. Criteria: ACMG Guidelines, 2015. Collection method: clinical testing. Allele origin: germline.
Comment: This variant is classified as likely benign based on ACMG/AMP sequence variant interpretation guidelines (Richards et al. 2015 PMID: 25741868, with internal and published modifications).

Labcorp Genetics (formerly Invitae), Labcorp
Classification: Likely benign for Jeune thoracic dystrophy; Nephronophthisis. Last evaluated: 2023-02-08. Review status: criteria provided, single submitter. Criteria: Invitae Variant Classification Sherloc (09022015). Collection method: clinical testing. Allele origin: germline.